The following is an entry in ClinVar:

ClinVar aggregate classification (germline): Uncertain significance. Review status: criteria provided, multiple submitters, no conflicts (2 of 4 stars). 2 submissions from 2 submitters: Uncertain significance (2). Last evaluated 2024-09-10.

gnomAD v4.1: 3 of 1,613,838 alleles (0.00019%); highest among the groups gnomAD compares: Admixed American, 0.005%; no homozygotes.

Submissions (2):

Blueprint Genetics
Classification: Uncertain significance. Last evaluated: 2024-09-10. Review status: criteria provided, single submitter. Criteria: ACMG Guidelines, 2015. Collection method: clinical testing. Allele origin: germline.

Labcorp Genetics (formerly Invitae), Labcorp
Classification: Uncertain significance. Last evaluated: 2024-06-22. Review status: criteria provided, single submitter. Criteria: Invitae Variant Classification Sherloc (09022015). Collection method: clinical testing. Allele origin: germline.
Comment: This sequence change replaces valine, which is neutral and non-polar, with isoleucine, which is neutral and non-polar, at codon 166 of the PDSS2 protein (p.Val166Ile). This variant is present in population databases (no rsID available, gnomAD 0.006%). This variant has not been reported in the literature in individuals affected with PDSS2-related conditions. Advanced modeling of protein sequence and biophysical properties (such as structural, functional, and spatial information, amino acid conservation, physicochemical variation, residue mobility, and thermodynamic stability) performed at Invitae indicates that this missense variant is not expected to disrupt PDSS2 protein function with a negative predictive value of 80%. In summary, the available evidence is currently insufficient to determine the role of this variant in disease. Therefore, it has been classified as a Variant of Uncertain Significance.

NM_020381.4(PDSS2):c.496G>A (p.Val166Ile)

Gene: PDSS2 (decaprenyl diphosphate synthase subunit 2; minus strand). Cytogenetic location: 6q21.
Variant type: single nucleotide variant.
Coding change: c.496G>A on transcript NM_020381.4 (MANE Select); coding-DNA position 496, G replaced by A.
Protein change: p.Val166Ile; replaces valine 166 with isoleucine.
Molecular consequence: missense variant.
Genome position (GRCh38, 1-based): chr6:107,274,163, C>T on the plus strand (G>A on the coding strand, the complement: PDSS2 is on the minus strand). VCF-style: chr6-107274163-C-T. GRCh37 (hg19) VCF-style: chr6-107595367-C-T.
Other names: short protein forms V166I.
Identifiers: ClinVar variation 3615536 (VCV003615536.3).